The following is an entry in ClinVar:

NM_006790.3(MYOT):c.167C>T (p.Ser56Leu)

Genes: MYOT (myotilin; plus strand), PKD2L2-DT (PKD2L2 divergent transcript; minus strand). Cytogenetic location: 5q31.2.
Variant type: single nucleotide variant.
Coding change: c.167C>T on transcript NM_006790.3 (MANE Select); coding-DNA position 167, C replaced by T.
Protein change: p.Ser56Leu; replaces serine 56 with leucine.
Molecular consequence: missense variant. On other transcripts: intron variant (2).
Genome position (GRCh38, 1-based): chr5:137,870,818, C>T. VCF-style: chr5-137870818-C-T. GRCh37 (hg19) VCF-style: chr5-137206507-C-T.
Other names: c.-120-59C>T (NM_001300911.2); c.-197+293C>T (NM_001135940.2); short protein forms S56L.
Identifiers: ClinVar variation 2627978 (VCV002627978.1), dbSNP rs2531991155, ClinGen allele CA361052759.

ClinVar aggregate classification (germline): Uncertain significance (1 of 4 stars; one submission).

Conditions:
Myofibrillar myopathy 3 (MFM3). Also called: Autosomal dominant spheroid body myopathy; Muscular dystrophy, proximal, type 1A. Identifiers: Orphanet 266, Orphanet 268129, MedGen C3714934, MONDO:0012215, OMIM 609200.

Submission:

Neuberg Centre For Genomic Medicine, NCGM
Classification: Uncertain significance for Myofibrillar myopathy 3. Review status: criteria provided, single submitter. Criteria: ACMG Guidelines, 2015. Collection method: clinical testing. Allele origin: germline. Inheritance: Autosomal dominant inheritance. Affected: yes.
Comment: The c.167C>T (p.Ser56Leu) missense variant in MYOT gene has not been reported previously as a pathogenic variant nor as a benign variant, to our knowledge. The p.Ser56Leu variant is novel (not in any individuals) in gnomAD Exomes and 1000 Genomes. The amino acid Ser at position 56 is changed to a Leu changing protein sequence and it might alter its composition and physico-chemical properties. The amino acid change p.Ser56Leu in MYOT is predicted as conserved by GERP++ and PhyloP across 100 vertebrates. For these reasons, this variant has been classified as Variant of Uncertain Significance (VUS).